The following is an entry in ClinVar:

NM_015231.3(NUP160):c.3754G>A (p.Asp1252Asn)

Gene: NUP160 (nucleoporin 160; minus strand). Cytogenetic location: 11p11.2.
Variant type: single nucleotide variant.
Coding change: c.3754G>A on transcript NM_015231.3 (MANE Select); coding-DNA position 3754, G replaced by A.
Protein change: p.Asp1252Asn; replaces aspartic acid 1252 with asparagine.
Molecular consequence: missense variant. On other transcripts: non-coding transcript variant (1).
Genome position (GRCh38, 1-based): chr11:47,785,056, C>T on the plus strand (G>A on the coding strand, the complement: NUP160 is on the minus strand). VCF-style: chr11-47785056-C-T. GRCh37 (hg19) VCF-style: chr11-47806608-C-T.
Other names: short protein forms D1252N.
Identifiers: ClinVar variation 2056310 (VCV002056310.1), dbSNP rs780453055, ClinGen allele CA5980519.

ClinVar aggregate classification (germline): Uncertain significance (1 of 4 stars; one submission).

Allele frequency attached by ClinVar (database versions not stated): TOPMed 0.00002; gnomAD 0.00003; ExAC 0.00004.
gnomAD v4.1: 47 of 1,467,258 alleles (0.0032%); highest among the groups gnomAD compares: South Asian, 0.026%; no homozygotes.

Submission:

Labcorp Genetics (formerly Invitae), Labcorp
Classification: Uncertain significance. Last evaluated: 2022-03-04. Review status: criteria provided, single submitter. Criteria: Invitae Variant Classification Sherloc (09022015). Collection method: clinical testing. Allele origin: germline.
Comment: This sequence change replaces aspartic acid, which is acidic and polar, with asparagine, which is neutral and polar, at codon 1286 of the NUP160 protein (p.Asp1286Asn). This variant is present in population databases (rs780453055, gnomAD 0.05%). This variant has not been reported in the literature in individuals affected with NUP160-related conditions. Algorithms developed to predict the effect of missense changes on protein structure and function are either unavailable or do not agree on the potential impact of this missense change (SIFT: "Not Available"; PolyPhen-2: "Probably Damaging"; Align-GVGD: "Not Available"). Algorithms developed to predict the effect of sequence changes on RNA splicing suggest that this variant may disrupt the consensus splice site. In summary, the available evidence is currently insufficient to determine the role of this variant in disease. Therefore, it has been classified as a Variant of Uncertain Significance.